The following is an entry in ClinVar:

ClinVar aggregate classification (germline): Conflicting classifications of pathogenicity. Review status: criteria provided, conflicting classifications (1 of 4 stars). 2 submissions from 2 submitters: Uncertain significance (1); Likely benign (1). Last evaluated 2022-03-11.

Conditions:
Cardiovascular phenotype. Identifiers: MedGen CN230736.

Allele frequency attached by ClinVar (database versions not stated): TOPMed below 0.00001; gnomAD 0.00001.
gnomAD v4.1: 1 of 1,612,910 alleles (0.000062%); highest among the groups gnomAD compares: African/African-American, 0.0013%; no homozygotes.

Submissions (2):

Ambry Genetics
Classification: Uncertain significance for Cardiovascular phenotype. Last evaluated: 2022-03-11. Review status: criteria provided, single submitter. Criteria: Ambry Variant Classification Scheme 2023. Collection method: clinical testing. Allele origin: germline.
Comment: The c.1437G>C variant (also known as p.G479G), located in coding exon 9 of the LDB3 gene, results from a G to C substitution at nucleotide position 1437. This nucleotide substitution does not change the glycine at codon 479. This nucleotide position is well conserved in available vertebrate species. In silico splice site analysis for this alteration is inconclusive. Since supporting evidence is limited at this time, the clinical significance of this alteration remains unclear.

GeneDx
Classification: Likely benign. Last evaluated: 2016-12-22. Review status: criteria provided, single submitter. Criteria: GeneDx Variant Classification (06012015). Collection method: clinical testing. Allele origin: germline. Affected: yes.
Comment: This variant is considered likely benign or benign based on one or more of the following criteria: it is a conservative change, it occurs at a poorly conserved position in the protein, it is predicted to be benign by multiple in silico algorithms, and/or has population frequency not consistent with disease.

NM_007078.3(LDB3):c.1437G>C (p.Gly479=)

Gene: LDB3 (LIM domain binding 3; plus strand). Cytogenetic location: 10q23.2.
Variant type: single nucleotide variant.
Coding change: c.1437G>C on transcript NM_007078.3 (MANE Select); coding-DNA position 1437, G replaced by C.
Protein change: p.Gly479=; no amino-acid change (glycine 479 retained).
Molecular consequence: synonymous variant.
Genome position (GRCh38, 1-based): chr10:86,716,532, G>C. VCF-style: chr10-86716532-G-C. GRCh37 (hg19) VCF-style: chr10-88476289-G-C.
Other names: c.1107G>C, p.Gly369= (NM_001080114.2); c.1452G>C, p.Gly484= (NM_001171610.2); c.1248G>C, p.Gly416= (NM_001368064.1, NM_001368065.1); c.1296G>C, p.Gly432= (NM_001368066.1); c.1437G>C (LRG_385t1).
Identifiers: ClinVar variation 392168 (VCV000392168.3), dbSNP rs960379328, ClinGen allele CA16605698.